The following is an entry in ClinVar:

ClinVar aggregate classification (germline): Uncertain significance (0 of 4 stars; one submission).

Conditions:
NR2F2-related disorder. Also called: NR2F2-related condition.

Submission:

PreventionGenetics, part of Exact Sciences
Classification: Uncertain significance for NR2F2-related condition. Last evaluated: 2024-05-14. Review status: no assertion criteria provided. Collection method: clinical testing. Allele origin: germline.
Comment: The NR2F2 c.37G>A variant is predicted to result in the amino acid substitution p.Gly13Ser. To our knowledge, this variant has not been reported in the literature or in gnomAD, indicating this variant is rare. At this time, the clinical significance of this variant is uncertain due to the absence of conclusive functional and genetic evidence.

NM_001145155.2(NR2F2):c.37G>A (p.Gly13Ser)

Genes: NR2F2 (nuclear receptor subfamily 2 group F member 2; plus strand), NR2F2-AS1 (NR2F2 antisense RNA 1; minus strand). Cytogenetic location: 15q26.2.
Variant type: single nucleotide variant.
Coding change: c.37G>A on transcript NM_001145155.2; coding-DNA position 37, G replaced by A.
Protein change: p.Gly13Ser; replaces glycine 13 with serine.
Molecular consequence: missense variant.
Genome position (GRCh38, 1-based): chr15:96,326,346, G>A. VCF-style: chr15-96326346-G-A. GRCh37 (hg19) VCF-style: chr15-96869575-G-A.
Other names: short protein forms G13S.
Identifiers: ClinVar variation 3347446 (VCV003347446.1).